The following is an entry in ClinVar:

NM_005732.4(RAD50):c.853G>A (p.Asp285Asn)

Gene: RAD50 (RAD50 double strand break repair protein; plus strand). Cytogenetic location: 5q31.1.
Variant type: single nucleotide variant.
Coding change: c.853G>A on transcript NM_005732.4 (MANE Select); coding-DNA position 853, G replaced by A.
Protein change: p.Asp285Asn; replaces aspartic acid 285 with asparagine.
Molecular consequence: missense variant.
Genome position (GRCh38, 1-based): chr5:132,587,658, G>A. VCF-style: chr5-132587658-G-A. GRCh37 (hg19) VCF-style: chr5-131923350-G-A.
Other names: short protein forms D285N.
Identifiers: ClinVar variation 839265 (VCV000839265.11), dbSNP rs1247777046, ClinGen allele CA360940446.

ClinVar aggregate classification (germline): Uncertain significance. Review status: criteria provided, multiple submitters, no conflicts (2 of 4 stars). 2 submissions from 2 submitters: Uncertain significance (2). Last evaluated 2025-06-22.

Conditions:
Hereditary cancer-predisposing syndrome. Also called: Neoplastic Syndromes, Hereditary; Tumor predisposition; Hereditary neoplastic syndrome; Hereditary Cancer Syndrome. Identifiers: Orphanet 140162, MedGen C0027672, MeSH D009386, MONDO:0015356.

Allele frequency attached by ClinVar (database versions not stated): gnomAD exomes below 0.00001 and 0.00001.
gnomAD v4.1: 4 of 1,613,806 alleles (0.00025%); highest among the groups gnomAD compares: South Asian, 0.0044%; no homozygotes.

Submissions (2):

Labcorp Genetics (formerly Invitae), Labcorp
Classification: Uncertain significance for Hereditary cancer-predisposing syndrome. Last evaluated: 2025-06-22. Review status: criteria provided, single submitter. Criteria: Invitae Variant Classification Sherloc (09022015). Collection method: clinical testing. Allele origin: germline.
Comment: This sequence change replaces aspartic acid, which is acidic and polar, with asparagine, which is neutral and polar, at codon 285 of the RAD50 protein (p.Asp285Asn). This variant is present in population databases (no rsID available, gnomAD 0.006%). This variant has not been reported in the literature in individuals affected with RAD50-related conditions. ClinVar contains an entry for this variant (Variation ID: 839265). Invitae Evidence Modeling of protein sequence and biophysical properties (such as structural, functional, and spatial information, amino acid conservation, physicochemical variation, residue mobility, and thermodynamic stability) indicates that this missense variant is not expected to disrupt RAD50 protein function with a negative predictive value of 80%. In summary, the available evidence is currently insufficient to determine the role of this variant in disease. Therefore, it has been classified as a Variant of Uncertain Significance.

Ambry Genetics
Classification: Uncertain significance for Hereditary cancer-predisposing syndrome. Last evaluated: 2024-03-17. Review status: criteria provided, single submitter. Criteria: Ambry Variant Classification Scheme 2023. Collection method: clinical testing. Allele origin: germline.
Comment: The p.D285N variant (also known as c.853G>A), located in coding exon 6 of the RAD50 gene, results from a G to A substitution at nucleotide position 853. The aspartic acid at codon 285 is replaced by asparagine, an amino acid with highly similar properties. This amino acid position is conserved. In addition, this alteration is predicted to be tolerated by in silico analysis. Based on the available evidence, the clinical significance of this alteration remains unclear.